The following is an entry in ClinVar:

ClinVar aggregate classification (germline): Conflicting classifications of pathogenicity. Review status: criteria provided, conflicting classifications (1 of 4 stars). 2 submissions from 2 submitters: Uncertain significance (1); Likely benign (1). Last evaluated 2023-03-23.

Conditions:
Hereditary cancer-predisposing syndrome. Also called: Neoplastic Syndromes, Hereditary; Tumor predisposition; Hereditary Cancer Syndrome; Hereditary neoplastic syndrome. Identifiers: Orphanet 140162, MedGen C0027672, MeSH D009386, MONDO:0015356.

Submissions (2):

University of Washington Department of Laboratory Medicine, University of Washington
Classification: Likely benign for Hereditary cancer-predisposing syndrome. Last evaluated: 2023-03-23. Review status: criteria provided, single submitter. Criteria: Dines et al. (Genet Med. 2020). Collection method: curation. Allele origin: germline.
Comment: Missense variant in a coldspot region where missense variants are very unlikely to be pathogenic (PMID:31911673).

BRCA1 coldspot (exon 11 using historical exon numbering). Reclassification based on statistical prior probability

Ambry Genetics
Classification: Uncertain significance for Hereditary cancer-predisposing syndrome. Last evaluated: 2021-10-14. Review status: criteria provided, single submitter. Criteria: Ambry Variant Classification Scheme 2023. Collection method: clinical testing. Allele origin: germline.
Comment: The p.S578P variant (also known as c.1732T>C), located in coding exon 9 of the BRCA1 gene, results from a T to C substitution at nucleotide position 1732. The serine at codon 578 is replaced by proline, an amino acid with similar properties. This amino acid position is well conserved in available vertebrate species; however, proline is the reference amino acid in other vertebrate species. In addition, the in silico prediction for this alteration is inconclusive. Since supporting evidence is limited at this time, the clinical significance of this alteration remains unclear.

NM_007294.4(BRCA1):c.1732T>C (p.Ser578Pro)

Gene: BRCA1 (BRCA1 DNA repair associated; minus strand). Cytogenetic location: 17q21.31.
Variant type: single nucleotide variant.
Coding change: c.1732T>C on transcript NM_007294.4 (MANE Select); coding-DNA position 1732, T replaced by C.
Protein change: p.Ser578Pro; replaces serine 578 with proline.
Molecular consequence: missense variant. On other transcripts: intron variant (137).
Genome position (GRCh38, 1-based): chr17:43,093,799, A>G on the plus strand (T>C on the coding strand, the complement: BRCA1 is on the minus strand). VCF-style: chr17-43093799-A-G. GRCh37 (hg19) VCF-style: chr17-41245816-A-G.
Other names: c.1654T>C, p.Ser552Pro (NM_001407656.1, NM_001407657.1, NM_001407658.1 and 4 more transcripts); c.1651T>C, p.Ser551Pro (NM_001407659.1, NM_001407660.1, NM_001407661.1 and 1 more transcripts); c.1609T>C, p.Ser537Pro (NM_001407664.1, NM_001407665.1, NM_001407666.1 and 19 more transcripts); c.1606T>C, p.Ser536Pro (NM_001407670.1, NM_001407671.1, NM_001407672.1 and 11 more transcripts); c.1732T>C, p.Ser578Pro (NM_001407684.1, NM_001407854.1, NM_001407858.1 and 30 more transcripts); c.1591T>C, p.Ser531Pro (NM_001407692.1, NM_001407694.1, NM_001407695.1 and 29 more transcripts); c.1588T>C, p.Ser530Pro (NM_001407740.1, NM_001407741.1, NM_001407742.1 and 20 more transcripts); c.1519T>C, p.Ser507Pro (NM_001407853.1, NM_001407894.1, NM_001407895.1 and 9 more transcripts); and 40 more; short protein forms S467P, S490P, S511P, S451P, S466P, S510P, S536P, S551P.
Identifiers: ClinVar variation 1779017 (VCV001779017.4), dbSNP rs2154427421, ClinGen allele CA10598565.
Genomic context (GRCh38, chr17:43,093,799, plus strand): 5'-ATTCGAGTTCCATATTGCTTATACTGCTGCTTATAGGTTCAGCTTTCGTTTTGAAAGCAG[A>G]TTCTTTTTCGAGTGATTCTATTGGGTTAGGATTTTTCTCATTCTGAATAGAATCACCTTT-3'
Protein context (NP_009225.1, residues 568-588): PNPIESLEKE[Ser578Pro]AFKTKAEPIS